The following is an entry in ClinVar:

ClinVar aggregate classification (germline): Pathogenic (1 of 4 stars; one submission).

Submission:

Labcorp Genetics (formerly Invitae), Labcorp
Classification: Pathogenic. Last evaluated: 2022-10-07. Review status: criteria provided, single submitter. Criteria: Invitae Variant Classification Sherloc (09022015). Collection method: clinical testing. Allele origin: germline.
Comment: This variant is a gross deletion of the genomic region encompassing exon(s) 23-29 of the ABCC6 gene. This deletion is out-of-frame, and is expected to create a premature termination codon and result in an absent or disrupted protein product. Loss-of-function variants in ABCC6 are known to be pathogenic (PMID: 11536079, 17617515). A similar copy number variant has been observed in individual(s) with pseudoxanthoma elasticum and generalized arterial calcification of infancy (PMID: 11179012, 11536079, 17724214, 22209248). It has also been observed to segregate with disease in related individuals. For these reasons, this variant has been classified as Pathogenic.

Literature cited by the submitters: PubMed 11536079; PubMed 17617515; PubMed 11179012; PubMed 17724214; PubMed 22209248.

NC_000016.9:g.(?_16248465)_(16259810_?)del

Gene: ABCC6 (ATP binding cassette subfamily C member 6; minus strand). Cytogenetic location: 16p13.11.
Variant type: Deletion.
Identifiers: ClinVar variation 1068874 (VCV001068874.2).